The following is an entry in ClinVar:

NM_001379451.1(BCORL1):c.1791C>G (p.Thr597=)

Gene: BCORL1 (BCL6 corepressor like 1; plus strand). Cytogenetic location: Xq26.1.
Variant type: single nucleotide variant.
Coding change: c.1791C>G on transcript NM_001379451.1 (MANE Select); coding-DNA position 1791, C replaced by G.
Protein change: p.Thr597=; no amino-acid change (threonine 597 retained).
Molecular consequence: synonymous variant.
Genome position (GRCh38, 1-based): chrX:130,014,563, C>G. VCF-style: chrX-130014563-C-G. GRCh37 (hg19) VCF-style: chrX-129148539-C-G.
Other names: c.1791C>G, p.Thr597= (NM_001184772.3, NM_001379450.1, NM_021946.5).
Identifiers: ClinVar variation 2661415 (VCV002661415.24), dbSNP rs199780684, ClinGen allele CA10514291.

ClinVar aggregate classification (germline): Likely benign (1 of 4 stars; one submission).

Allele frequency attached by ClinVar (database versions not stated): ExAC 0.00001; gnomAD exomes 0.00001.
gnomAD v4.1: 13 of 1,211,523 alleles (0.0011%); highest among the groups gnomAD compares: Non-Finnish European, 0.0015%; no homozygotes.

Submission:

CeGaT Center for Human Genetics Tuebingen
Classification: Likely benign. Last evaluated: 2023-03-01. Review status: criteria provided, single submitter. Criteria: CeGaT Center For Human Genetics Tuebingen Variant Classification Criteria Version 2. Collection method: clinical testing. Allele origin: germline. Affected: yes. Observed: 1 variant allele.
Comment: BCORL1: BP4, BP7